The following is an entry in ClinVar:

ClinVar aggregate classification (germline): Uncertain significance (1 of 4 stars; one submission).

Conditions:
Hereditary cancer-predisposing syndrome. Also called: Hereditary Cancer Syndrome; Tumor predisposition; Hereditary neoplastic syndrome; Neoplastic Syndromes, Hereditary. Identifiers: Orphanet 140162, MedGen C0027672, MeSH D009386, MONDO:0015356.

gnomAD v4.1: 1 of 1,613,970 alleles (0.000062%); highest among the groups gnomAD compares: Non-Finnish European, 0.000085%; no homozygotes.

Submission:

Ambry Genetics
Classification: Uncertain significance for Hereditary cancer-predisposing syndrome. Last evaluated: 2024-06-03. Review status: criteria provided, single submitter. Criteria: Ambry Variant Classification Scheme 2023. Collection method: clinical testing. Allele origin: germline.
Comment: The p.K393Q variant (also known as c.1177A>C), located in coding exon 14 of the CDC73 gene, results from an A to C substitution at nucleotide position 1177. The lysine at codon 393 is replaced by glutamine, an amino acid with similar properties. This amino acid position is conserved. In addition, the in silico prediction for this alteration is inconclusive. Based on the available evidence, the clinical significance of this variant remains unclear.

NM_024529.5(CDC73):c.1177A>C (p.Lys393Gln)

Gene: CDC73 (cell division cycle 73; plus strand). Cytogenetic location: 1q31.2.
Variant type: single nucleotide variant.
Coding change: c.1177A>C on transcript NM_024529.5 (MANE Select); coding-DNA position 1177, A replaced by C.
Protein change: p.Lys393Gln; replaces lysine 393 with glutamine.
Molecular consequence: missense variant.
Genome position (GRCh38, 1-based): chr1:193,233,015, A>C. VCF-style: chr1-193233015-A-C. GRCh37 (hg19) VCF-style: chr1-193202145-A-C.
Other names: short protein forms K393Q.
Identifiers: ClinVar variation 3265066 (VCV003265066.1).
Genomic context (GRCh38, chr1:193,233,015, plus strand): 5'-GAATACATTGACTTTTTCTCATCTCTGTTTTTTCAAAGATTTGTCCCATCAGATGAAAAG[A>C]AGAAACAAGGTTGTCAACGAGAAAATGAAACTCTAATACAAAGAAGAAAAGACCAGATGC-3'
Protein context (NP_078805.3, residues 383-403): DLKFVPSDEK[Lys393Gln]KQGCQRENET